The following is an entry in ClinVar:

ClinVar aggregate classification (germline): Benign (1 of 4 stars; one submission).

Allele frequency attached by ClinVar (database versions not stated): gnomAD 0.05953 and 0.06246; 1000 Genomes Project 0.06070; 1000 Genomes Project 30x 0.06293; TOPMed 0.06526.
gnomAD v4.1: 8,995 of 152,268 alleles (5.9%); highest among the groups gnomAD compares: African/African-American, 16%; 556 homozygotes.

Submission:

GeneDx
Classification: Benign. Last evaluated: 2018-06-14. Review status: criteria provided, single submitter. Criteria: GeneDx Variant Classification (06012015). Collection method: clinical testing. Allele origin: germline. Affected: yes.
Comment: This variant is considered likely benign or benign based on one or more of the following criteria: it is a conservative change, it occurs at a poorly conserved position in the protein, it is predicted to be benign by multiple in silico algorithms, and/or has population frequency not consistent with disease.

NM_177550.5(SLC13A5):c.717-335G>C

Gene: SLC13A5 (solute carrier family 13 member 5; minus strand). Cytogenetic location: 17p13.1.
Variant type: single nucleotide variant.
Coding change: c.717-335G>C on transcript NM_177550.5 (MANE Select); 335 bases into the intron before coding-DNA position 717, G replaced by C.
Molecular consequence: intron variant.
Genome position (GRCh38, 1-based): chr17:6,701,461, C>G on the plus strand (G>C on the coding strand, the complement: SLC13A5 is on the minus strand). VCF-style: chr17-6701461-C-G. GRCh37 (hg19) VCF-style: chr17-6604780-C-G.
Other names: c.588-335G>C (NM_001284510.2); c.666-335G>C (NM_001284509.2); c.717-335G>C (NM_001143838.3).
Identifiers: ClinVar variation 669655 (VCV000669655.1), dbSNP rs74934559, ClinGen allele CA14459740.